The following is an entry in ClinVar:

ClinVar aggregate classification (germline): Uncertain significance (1 of 4 stars; one submission).

gnomAD v4.1: 10 of 1,613,420 alleles (0.00062%); highest among the groups gnomAD compares: African/African-American, 0.0013%; no homozygotes.

Submission:

Labcorp Genetics (formerly Invitae), Labcorp
Classification: Uncertain significance. Last evaluated: 2025-03-18. Review status: criteria provided, single submitter. Criteria: Invitae Variant Classification Sherloc (09022015). Collection method: clinical testing. Allele origin: germline.
Comment: This sequence change replaces arginine, which is basic and polar, with proline, which is neutral and non-polar, at codon 102 of the ALPK1 protein (p.Arg102Pro). This variant is present in population databases (rs772239630, gnomAD 0.007%). This variant has not been reported in the literature in individuals affected with ALPK1-related conditions. Invitae Evidence Modeling of protein sequence and biophysical properties (such as structural, functional, and spatial information, amino acid conservation, physicochemical variation, residue mobility, and thermodynamic stability) indicates that this missense variant is not expected to disrupt ALPK1 protein function with a negative predictive value of 80%. In summary, the available evidence is currently insufficient to determine the role of this variant in disease. Therefore, it has been classified as a Variant of Uncertain Significance.

NM_025144.4(ALPK1):c.305G>C (p.Arg102Pro)

Gene: ALPK1 (alpha kinase 1; plus strand). Cytogenetic location: 4q25.
Variant type: single nucleotide variant.
Coding change: c.305G>C on transcript NM_025144.4 (MANE Select); coding-DNA position 305, G replaced by C.
Protein change: p.Arg102Pro; replaces arginine 102 with proline.
Molecular consequence: missense variant.
Genome position (GRCh38, 1-based): chr4:112,411,855, G>C. VCF-style: chr4-112411855-G-C. GRCh37 (hg19) VCF-style: chr4-113333011-G-C.
Other names: c.305G>C, p.Arg102Pro (NM_001102406.2); c.71G>C, p.Arg24Pro (NM_001253884.2); short protein forms R102P, R24P.
Identifiers: ClinVar variation 4743351 (VCV004743351.1).